The following is an entry in ClinVar:

ClinVar aggregate classification (germline): Uncertain significance (1 of 4 stars; one submission).

Conditions:
Niemann-Pick disease, type C1. Also called: NEUROVISCERAL STORAGE DISEASE WITH VERTICAL SUPRANUCLEAR OPHTHALMOPLEGIA; NIEMANN-PICK DISEASE WITH CHOLESTEROL ESTERIFICATION BLOCK; NIEMANN-PICK DISEASE WITHOUT SPHINGOMYELINASE DEFICIENCY; NIEMANN-PICK DISEASE, CHRONIC NEURONOPATHIC FORM; NIEMANN-PICK DISEASE, VARIANT TYPE C1. Identifiers: Orphanet 646, MedGen C3179455, MONDO:0009757, OMIM 257220.

Allele frequency attached by ClinVar (database versions not stated): gnomAD 0.00002; gnomAD exomes 0.00002; TOPMed 0.00003.

Submission:

Labcorp Genetics (formerly Invitae), Labcorp
Classification: Uncertain significance for Niemann-Pick disease, type C1. Last evaluated: 2022-10-25. Review status: criteria provided, single submitter. Criteria: Invitae Variant Classification Sherloc (09022015). Collection method: clinical testing. Allele origin: germline.
Comment: This sequence change replaces leucine, which is neutral and non-polar, with valine, which is neutral and non-polar, at codon 11 of the NPC1 protein (p.Leu11Val). This variant is present in population databases (no rsID available, gnomAD 0.02%). This variant has not been reported in the literature in individuals affected with NPC1-related conditions. Algorithms developed to predict the effect of missense changes on protein structure and function (SIFT, PolyPhen-2, Align-GVGD) all suggest that this variant is likely to be tolerated. In summary, the available evidence is currently insufficient to determine the role of this variant in disease. Therefore, it has been classified as a Variant of Uncertain Significance.

NM_000271.5(NPC1):c.31C>G (p.Leu11Val)

Gene: NPC1 (NPC intracellular cholesterol transporter 1; minus strand). Cytogenetic location: 18q11.2.
Variant type: single nucleotide variant.
Coding change: c.31C>G on transcript NM_000271.5 (MANE Select); coding-DNA position 31, C replaced by G.
Protein change: p.Leu11Val; replaces leucine 11 with valine.
Molecular consequence: missense variant.
Genome position (GRCh38, 1-based): chr18:23,586,313, G>C on the plus strand (C>G on the coding strand, the complement: NPC1 is on the minus strand). VCF-style: chr18-23586313-G-C. GRCh37 (hg19) VCF-style: chr18-21166277-G-C.
Other names: short protein forms L11V.
Identifiers: ClinVar variation 2142064 (VCV002142064.1), dbSNP rs1364471701, ClinGen allele CA402041514.